The following is an entry in ClinVar:

ClinVar aggregate classification (germline): Conflicting classifications of pathogenicity. Review status: criteria provided, conflicting classifications (1 of 4 stars). 4 submissions from 4 submitters: Likely pathogenic (2); Uncertain significance (1). 1 of the submissions does not count toward it. Last evaluated 2024-08-05.

Conditions:
SGSM3-related intellectual disability.
Intellectual developmental disorder, autosomal recessive 84. Identifiers: MedGen C6065961, MONDO:0980746, OMIM 620401.

Allele frequency attached by ClinVar (database versions not stated): gnomAD exomes 0.00017; gnomAD 0.00027; TOPMed 0.00029; ESP Exome Variant Server 0.00040; ExAC 0.00043.

Submissions (4):

Blueprint Genetics
Classification: Uncertain significance. Last evaluated: 2024-08-05. Review status: criteria provided, single submitter. Criteria: ACMG Guidelines, 2015. Collection method: clinical testing. Allele origin: germline.

CeGaT Center for Human Genetics Tuebingen
Classification: Likely pathogenic. Last evaluated: 2024-02-01. Review status: criteria provided, single submitter. Criteria: CeGaT Center For Human Genetics Tuebingen Variant Classification Criteria Version 2. Collection method: clinical testing. Allele origin: germline. Affected: yes. Observed: 2 variant alleles.
Comment: SGSM3: PP1:Strong, PM2, PM3, PVS1:Supporting

Hadassah Hebrew University Medical Center
Classification: Likely pathogenic for SGSM3-related intellectual disability. Last evaluated: 2023-04-01. Review status: criteria provided, single submitter. Criteria: ACMG Guidelines, 2015. Collection method: clinical testing. Allele origin: germline. Affected: yes.

OMIM
Classification: Pathogenic for INTELLECTUAL DEVELOPMENTAL DISORDER, AUTOSOMAL RECESSIVE 84. Last evaluated: 2025-11-10. Review status: no assertion criteria provided. Collection method: literature only. Allele origin: germline. Not counted in ClinVar's aggregate classification.

Literature cited by the submitters: PubMed 37833060 (cited by OMIM).

NM_015705.6(SGSM3):c.981dup (p.Glu328fs)

Gene: SGSM3 (small G protein signaling modulator 3; plus strand). Cytogenetic location: 22q13.1.
Variant type: Duplication.
Coding change: c.981dup on transcript NM_015705.6 (MANE Select); coding-DNA position 981, one base duplicated (A; older notation c.981dupA).
Protein change: p.Glu328fs; shifts the reading frame from glutamic acid 328.
Molecular consequence: frameshift variant. On other transcripts: non-coding transcript variant (4).
Genome position (GRCh38, 1-based): chr22:40,406,458, A duplicated. VCF-style (leftmost placement, unchanged base first): chr22-40406457-C-CA. GRCh37 (hg19) VCF-style: chr22-40802461-C-CA.
Other names: c.792dup, p.Glu265fs (NM_001301849.2, NM_001350042.2, NM_001350044.2 and 1 more transcripts); c.981dup, p.Glu328fs (NM_001350039.2, NM_001350040.2, NM_001350041.2); c.780dup, p.Glu261fs (NM_001350043.2, NM_001350046.2, NM_001350047.2); c.483dup, p.Glu162fs (NM_001350048.2); short protein forms E162fs, E261fs, E265fs, E328fs.
Identifiers: ClinVar variation 2500991 (VCV002500991.27), dbSNP rs754440220, ClinGen allele CA10248424.